The following is an entry in ClinVar:

ClinVar aggregate classification (germline): Uncertain significance (1 of 4 stars; one submission).

Submission:

Labcorp Genetics (formerly Invitae), Labcorp
Classification: Uncertain significance. Last evaluated: 2021-09-21. Review status: criteria provided, single submitter. Criteria: Invitae Variant Classification Sherloc (09022015). Collection method: clinical testing. Allele origin: germline.
Comment: This sequence change replaces valine with alanine at codon 126 of the DNAJC21 protein (p.Val126Ala). The valine residue is weakly conserved and there is a small physicochemical difference between valine and alanine. This variant is not present in population databases (ExAC no frequency). This variant has not been reported in the literature in individuals with DNAJC21-related conditions. Algorithms developed to predict the effect of missense changes on protein structure and function output the following: SIFT: "Tolerated"; PolyPhen-2: "Benign"; Align-GVGD: "Class C0". The alanine amino acid residue is found in multiple mammalian species, suggesting that this missense change does not adversely affect protein function. These predictions have not been confirmed by published functional studies and their clinical significance is uncertain. In summary, the available evidence is currently insufficient to determine the role of this variant in disease. Therefore, it has been classified as a Variant of Uncertain Significance.

NM_001012339.3(DNAJC21):c.377T>C (p.Val126Ala)

Gene: DNAJC21 (DnaJ heat shock protein family (Hsp40) member C21; plus strand). Cytogenetic location: 5p13.2.
Variant type: single nucleotide variant.
Coding change: c.377T>C on transcript NM_001012339.3 (MANE Select); coding-DNA position 377, T replaced by C.
Protein change: p.Val126Ala; replaces valine 126 with alanine.
Molecular consequence: missense variant.
Genome position (GRCh38, 1-based): chr5:34,936,205, T>C. VCF-style: chr5-34936205-T-C. GRCh37 (hg19) VCF-style: chr5-34936310-T-C.
Other names: c.377T>C, p.Val126Ala (NM_001348420.2, NM_194283.4); short protein forms V126A.
Identifiers: ClinVar variation 1446309 (VCV001446309.8), dbSNP rs1764769545, ClinGen allele CA359413629.